The following is an entry in ClinVar:

NM_021120.4(DLG3):c.630G>A (p.Val210=)

Gene: DLG3 (discs large MAGUK scaffold protein 3; plus strand). Cytogenetic location: Xq13.1.
Variant type: single nucleotide variant.
Coding change: c.630G>A on transcript NM_021120.4 (MANE Select); coding-DNA position 630, G replaced by A.
Protein change: p.Val210=; no amino-acid change (valine 210 retained).
Molecular consequence: synonymous variant.
Genome position (GRCh38, 1-based): chrX:70,449,786, G>A. VCF-style: chrX-70449786-G-A. GRCh37 (hg19) VCF-style: chrX-69669636-G-A.
Identifiers: ClinVar variation 4875452 (VCV004875452.2).

ClinVar aggregate classification (germline): Likely benign (1 of 4 stars; one submission).

gnomAD v4.1: 1 of 1,207,101 alleles (0.000083%); no homozygotes.

Submission:

CeGaT Center for Human Genetics Tuebingen
Classification: Likely benign. Last evaluated: 2026-06-01. Review status: criteria provided, single submitter. Criteria: CeGaT Center For Human Genetics Tuebingen Variant Classification Criteria Version 2. Collection method: clinical testing. Allele origin: germline. Affected: yes. Observed: 1 variant allele.
Comment: DLG3: BP4, BP7